The following is an entry in ClinVar:

NM_000548.5(TSC2):c.2618T>C (p.Leu873Pro)

Gene: TSC2 (TSC complex subunit 2; plus strand). Cytogenetic location: 16p13.3.
Variant type: single nucleotide variant.
Coding change: c.2618T>C on transcript NM_000548.5 (MANE Select); coding-DNA position 2618, T replaced by C.
Protein change: p.Leu873Pro; replaces leucine 873 with proline.
Molecular consequence: missense variant.
Genome position (GRCh38, 1-based): chr16:2,075,871, T>C. VCF-style: chr16-2075871-T-C. GRCh37 (hg19) VCF-style: chr16-2125872-T-C.
Other names: c.2618T>C, p.Leu873Pro (NM_001077183.3, NM_001114382.3, NM_001363528.2 and 3 more transcripts); c.2507T>C, p.Leu836Pro (NM_001318827.2); c.2471T>C, p.Leu824Pro (NM_001318829.2); c.2018T>C, p.Leu673Pro (NM_001318831.2); c.2651T>C, p.Leu884Pro (NM_001318832.2); short protein forms L673P, L824P, L836P, L873P, L884P.
Identifiers: ClinVar variation 1344943 (VCV001344943.2), dbSNP rs2151381717, ClinGen allele CA394278447.

ClinVar aggregate classification (germline): Uncertain significance. Review status: criteria provided, multiple submitters, no conflicts (2 of 4 stars). 2 submissions from 2 submitters: Uncertain significance (2). Last evaluated 2021-09-16.

Conditions:
Tuberous sclerosis 2 (TSC2). Identifiers: Orphanet 805, MedGen C1860707, MONDO:0013199, OMIM 613254.

Submissions (2):

GeneDx
Classification: Uncertain significance. Last evaluated: 2021-09-16. Review status: criteria provided, single submitter. Criteria: GeneDx Variant Classification Process June 2021. Collection method: clinical testing. Allele origin: germline. Affected: yes.
Comment: Not observed at significant frequency in large population cohorts (gnomAD); In silico analysis supports that this missense variant has a deleterious effect on protein structure/function; Has not been previously published as pathogenic or benign to our knowledge

Neuberg Centre For Genomic Medicine, NCGM
Classification: Uncertain significance for Tuberous sclerosis 2. Review status: criteria provided, single submitter. Criteria: ACMG Guidelines, 2015. Collection method: clinical testing. Allele origin: germline. Inheritance: Autosomal dominant inheritance. Affected: yes.